The following is an entry in ClinVar:

NM_006767.4(LZTR1):c.2090G>C (p.Arg697Pro)

Gene: LZTR1 (leucine zipper like post translational regulator 1; plus strand). Cytogenetic location: 22q11.21.
Variant type: single nucleotide variant.
Coding change: c.2090G>C on transcript NM_006767.4 (MANE Select); coding-DNA position 2090, G replaced by C.
Protein change: p.Arg697Pro; replaces arginine 697 with proline.
Molecular consequence: missense variant.
Genome position (GRCh38, 1-based): chr22:20,995,983, G>C. VCF-style: chr22-20995983-G-C. GRCh37 (hg19) VCF-style: chr22-21350272-G-C.
Other names: short protein forms R697P.
Identifiers: ClinVar variation 2320950 (VCV002320950.3), dbSNP rs370638947, ClinGen allele CA10119242.

ClinVar aggregate classification (germline): Uncertain significance. Review status: criteria provided, multiple submitters, no conflicts (2 of 4 stars). 2 submissions from 2 submitters: Uncertain significance (2). Last evaluated 2025-10-05.

Conditions:
Hereditary cancer-predisposing syndrome. Also called: Hereditary Cancer Syndrome; Hereditary neoplastic syndrome; Neoplastic Syndromes, Hereditary; Tumor predisposition. Identifiers: Orphanet 140162, MedGen C0027672, MeSH D009386, MONDO:0015356.
Cardiovascular phenotype. Identifiers: MedGen CN230736.

Allele frequency attached by ClinVar (database versions not stated): ESP Exome Variant Server 0.00008.

Submissions (2):

Labcorp Genetics (formerly Invitae), Labcorp
Classification: Uncertain significance. Last evaluated: 2025-10-05. Review status: criteria provided, single submitter. Criteria: Invitae Variant Classification Sherloc (09022015). Collection method: clinical testing. Allele origin: germline.
Comment: This sequence change replaces arginine, which is basic and polar, with proline, which is neutral and non-polar, at codon 697 of the LZTR1 protein (p.Arg697Pro). This variant is present in population databases (rs370638947, gnomAD 0.0009%). This variant has not been reported in the literature in individuals affected with LZTR1-related conditions. ClinVar contains an entry for this variant (Variation ID: 2320950). Invitae Evidence Modeling of protein sequence and biophysical properties (such as structural, functional, and spatial information, amino acid conservation, physicochemical variation, residue mobility, and thermodynamic stability) indicates that this missense variant is not expected to disrupt LZTR1 protein function with a negative predictive value of 80%. This variant disrupts the p.Arg697 amino acid residue in LZTR1. Other variant(s) that disrupt this residue have been determined to be pathogenic (PMID: 28191889, 29469822, 35258168; internal data). This suggests that this residue is clinically significant, and that variants that disrupt this residue are likely to be disease-causing. In summary, the available evidence is currently insufficient to determine the role of this variant in disease. Therefore, it has been classified as a Variant of Uncertain Significance.

Ambry Genetics
Classification: Uncertain significance for Cardiovascular phenotype; Hereditary cancer-predisposing syndrome. Last evaluated: 2022-10-27. Review status: criteria provided, single submitter. Criteria: Ambry Variant Classification Scheme 2023. Collection method: clinical testing. Allele origin: germline.

Literature cited by the submitters: PubMed 28191889 (cited by Labcorp Genetics (formerly Invitae), Labcorp); PubMed 29469822 (cited by Labcorp Genetics (formerly Invitae), Labcorp); PubMed 35258168 (cited by Labcorp Genetics (formerly Invitae), Labcorp).